The following is an entry in ClinVar:

ClinVar aggregate classification (germline): Pathogenic (1 of 4 stars; one submission).

Submission:

Labcorp Genetics (formerly Invitae), Labcorp
Classification: Pathogenic. Last evaluated: 2019-07-15. Review status: criteria provided, single submitter. Criteria: Invitae Variant Classification Sherloc (09022015). Collection method: clinical testing. Allele origin: germline.
Comment: Loss-of-function variants in PHEX are known to be pathogenic (PMID: 9097956, 9106524, 19219621). This variant is not present in population databases (ExAC no frequency). This sequence change creates a premature translational stop signal (p.Glu337*) in the PHEX gene. It is expected to result in an absent or disrupted protein product. For these reasons, this variant has been classified as Pathogenic.

Literature cited by the submitters: PubMed 9097956; PubMed 9106524; PubMed 19219621.

NM_000444.6(PHEX):c.1009G>T (p.Glu337Ter)

Gene: PHEX (phosphate regulating endopeptidase X-linked; plus strand). Cytogenetic location: Xp22.11.
Variant type: single nucleotide variant.
Coding change: c.1009G>T on transcript NM_000444.6 (MANE Select); coding-DNA position 1009, G replaced by T.
Protein change: p.Glu337Ter; replaces glutamic acid 337 with a stop codon.
Molecular consequence: nonsense.
Genome position (GRCh38, 1-based): chrX:22,099,081, G>T. VCF-style: chrX-22099081-G-T. GRCh37 (hg19) VCF-style: chrX-22117199-G-T.
Other names: c.1009G>T, p.Glu337Ter (NM_001282754.2); short protein forms E337*.
Identifiers: ClinVar variation 960878 (VCV000960878.9), dbSNP rs770491624, ClinGen allele CA412572900.